The following is an entry in ClinVar:

ClinVar aggregate classification (germline): Uncertain significance (1 of 4 stars; one submission).

Submission:

GeneDx
Classification: Uncertain significance. Last evaluated: 2025-02-07. Review status: criteria provided, single submitter. Criteria: GeneDx Variant Classification Process June 2021. Collection method: clinical testing. Allele origin: germline. Affected: yes.
Comment: Not observed at significant frequency in large population cohorts (gnomAD); In silico analysis is inconclusive as to whether the variant alters gene splicing. In the absence of RNA/functional studies, the actual effect of this sequence change is unknown.; Has not been previously published as pathogenic or benign to our knowledge

NM_173630.4(RTTN):c.32-6T>G

Gene: RTTN (rotatin; minus strand). Cytogenetic location: 18q22.2.
Variant type: single nucleotide variant.
Coding change: c.32-6T>G on transcript NM_173630.4 (MANE Select); 6 bases into the intron before coding-DNA position 32, T replaced by G.
Molecular consequence: intron variant.
Genome position (GRCh38, 1-based): chr18:70,205,321, A>C on the plus strand (T>G on the coding strand, the complement: RTTN is on the minus strand). VCF-style: chr18-70205321-A-C. GRCh37 (hg19) VCF-style: chr18-67872557-A-C.
Other names: c.-2522-6T>G (NM_001318520.2).
Identifiers: ClinVar variation 4074570 (VCV004074570.1).
Genomic context (GRCh38, chr18:70,205,321, plus strand): 5'-ATCTTGCAGAGAATACTCTTGAGAGCGCGCTCCCTGATCTCGGCCAGCTGATGACCTGTC[A>C]ACGAACGGCACAAAACTATTTTATTTCCCGACTGCAAAGAGACTACGTTATTTATGCTGT-3'